The following is an entry in ClinVar:

ClinVar aggregate classification (germline): Uncertain significance. Review status: criteria provided, multiple submitters, no conflicts (2 of 4 stars). 3 submissions from 3 submitters: Uncertain significance (3). Last evaluated 2024-03-06.

Conditions:
Classic or attenuated familial adenomatous polyposis. Identifiers: MedGen CN372698, MONDO:0021057.
Hereditary cancer-predisposing syndrome. Also called: Hereditary Cancer Syndrome; Hereditary neoplastic syndrome; Neoplastic Syndromes, Hereditary; Tumor predisposition. Identifiers: Orphanet 140162, MedGen C0027672, MeSH D009386, MONDO:0015356.
Familial adenomatous polyposis 1 (FAP1). Also called: FAMILIAL ADENOMATOUS POLYPOSIS 1, ATTENUATED; POLYPOSIS, ADENOMATOUS INTESTINAL. Identifiers: MedGen C2713442, MONDO:0021056, OMIM 175100. Disease mechanism: loss of function.

Submissions (3):

Color Diagnostics, LLC DBA Color Health
Classification: Uncertain significance for Hereditary cancer-predisposing syndrome. Last evaluated: 2024-03-06. Review status: criteria provided, single submitter. Criteria: ACMG Guidelines, 2015. Collection method: clinical testing. Allele origin: germline.
Comment: This missense variant replaces asparagine with aspartic acid at codon 2618 of the APC protein. Computational prediction suggests that this variant may not impact protein structure and function (internally defined REVEL score threshold <= 0.5, PMID: 27666373). To our knowledge, functional studies have not been reported for this variant. This variant has not been reported in individuals affected with APC-related disorders in the literature. This variant has not been identified in the general population by the Genome Aggregation Database (gnomAD). The available evidence is insufficient to determine the role of this variant in disease conclusively. Therefore, this variant is classified as a Variant of Uncertain Significance.

All of Us Research Program, National Institutes of Health
Classification: Uncertain significance for Classic or attenuated familial adenomatous polyposis. Last evaluated: 2023-06-26. Review status: criteria provided, single submitter. Criteria: ACMG Guidelines, 2015. Collection method: clinical testing. Allele origin: germline. Inheritance: Autosomal dominant inheritance. Observed: 1 variant allele, 1 heterozygote.
Comment: This missense variant replaces asparagine with aspartic acid at codon 2618 of the APC protein. Computational prediction suggests that this variant may not impact protein structure and function (internally defined REVEL score threshold <= 0.5, PMID: 27666373). To our knowledge, functional studies have not been reported for this variant. This variant has not been reported in individuals affected with APC-related disorders in the literature. This variant has not been identified in the general population by the Genome Aggregation Database (gnomAD). The available evidence is insufficient to determine the role of this variant in disease conclusively. Therefore, this variant is classified as a Variant of Uncertain Significance.

This study involves interpretation of variants in research participants for the purpose of population health screening. Participant phenotype was not available at the time of variant classification. Additional details can be found in publication PMID: 35346344, PMCID: PMC8962531

Labcorp Genetics (formerly Invitae), Labcorp
Classification: Uncertain significance for Familial adenomatous polyposis 1. Last evaluated: 2019-06-07. Review status: criteria provided, single submitter. Criteria: Invitae Variant Classification Sherloc (09022015). Collection method: clinical testing. Allele origin: germline.
Comment: This sequence change replaces asparagine with aspartic acid at codon 2618 of the APC protein (p.Asn2618Asp). The asparagine residue is weakly conserved and there is a small physicochemical difference between asparagine and aspartic acid. This variant has not been published in the literature and is not present in population databases. Algorithms developed to predict the effect of missense changes on protein structure and function (SIFT, PolyPhen-2, Align-GVGD) all suggest that this variant is likely to be tolerated, but these predictions have not been confirmed by published functional studies. In summary, this is a novel missense change that is not predicted to affect protein function or cause disease. However the evidence is insufficient at this time to prove that conclusively. It has been classified as a Variant of Uncertain Significance.

NM_000038.6(APC):c.7852A>G (p.Asn2618Asp)

Gene: APC (APC regulator of Wnt signaling pathway; plus strand). Cytogenetic location: 5q22.2.
Variant type: single nucleotide variant.
Coding change: c.7852A>G on transcript NM_000038.6 (MANE Select); coding-DNA position 7852, A replaced by G.
Protein change: p.Asn2618Asp; replaces asparagine 2618 with aspartic acid.
Molecular consequence: missense variant.
Genome position (GRCh38, 1-based): chr5:112,843,446, A>G. VCF-style: chr5-112843446-A-G. GRCh37 (hg19) VCF-style: chr5-112179143-A-G.
Other names: c.7852A>G, p.Asn2618Asp (NM_001127510.3, NM_001354895.2); c.7798A>G, p.Asn2600Asp (NM_001127511.3); c.7906A>G, p.Asn2636Asp (NM_001354896.2); c.7882A>G, p.Asn2628Asp (NM_001354897.2); c.7777A>G, p.Asn2593Asp (NM_001354898.2); c.7768A>G, p.Asn2590Asp (NM_001354899.2); c.7729A>G, p.Asn2577Asp (NM_001354900.2); c.7675A>G, p.Asn2559Asp (NM_001354901.2); and 5 more; short protein forms N2600D, N2618D, N2335D, N2517D, N2577D, N2593D, N2636D, N2527D.
Identifiers: ClinVar variation 216181 (VCV000216181.16), dbSNP rs863224551, ClinGen allele CA338662.